The following is an entry in ClinVar:

NM_004006.3(DMD):c.8579C>A (p.Pro2860His)

Gene: DMD (dystrophin; minus strand). Cytogenetic location: Xp21.2.
Variant type: single nucleotide variant.
Coding change: c.8579C>A on transcript NM_004006.3 (MANE Select); coding-DNA position 8579, C replaced by A.
Protein change: p.Pro2860His; replaces proline 2860 with histidine.
Molecular consequence: missense variant.
Genome position (GRCh38, 1-based): chrX:31,479,072, G>T on the plus strand (C>A on the coding strand, the complement: DMD is on the minus strand). VCF-style: chrX-31479072-G-T. GRCh37 (hg19) VCF-style: chrX-31497189-G-T.
Other names: c.8555C>A, p.Pro2852His (NM_000109.4); c.8567C>A, p.Pro2856His (NM_004009.3); c.8210C>A, p.Pro2737His (NM_004010.3); c.4556C>A, p.Pro1519His (NM_004011.4); c.4547C>A, p.Pro1516His (NM_004012.4); c.1199C>A, p.Pro400His (NM_004013.3, NM_004020.4, NM_004021.3 and 2 more transcripts); c.392C>A, p.Pro131His (NM_004014.3); short protein forms P1516H, P1519H, P2852H, P2860H, P131H, P2856H, P400H, P2737H.
Identifiers: ClinVar variation 3502588 (VCV003502588.1).

ClinVar aggregate classification (germline): Uncertain significance (1 of 4 stars; one submission).

Conditions:
Cardiovascular phenotype. Identifiers: MedGen CN230736.

gnomAD v4.1: 3 of 1,209,466 alleles (0.00025%); highest among the groups gnomAD compares: Non-Finnish European, 0.00022%; no homozygotes.

Submission:

Ambry Genetics
Classification: Uncertain significance for Cardiovascular phenotype. Last evaluated: 2024-09-26. Review status: criteria provided, single submitter. Criteria: Ambry Variant Classification Scheme 2023. Collection method: clinical testing. Allele origin: germline.
Comment: The p.P2860H variant (also known as c.8579C>A), located in coding exon 58 of the DMD gene, results from a C to A substitution at nucleotide position 8579. The proline at codon 2860 is replaced by histidine, an amino acid with similar properties. This amino acid position is highly conserved in available vertebrate species. In addition, the in silico prediction for this alteration is inconclusive. Based on the available evidence, the clinical significance of this variant remains unclear.